The following is an entry in ClinVar:

ClinVar aggregate classification (germline): Benign/Likely benign. Review status: criteria provided, multiple submitters, no conflicts (2 of 4 stars). 5 submissions from 5 submitters: Benign (1); Likely benign (4). Last evaluated 2025-03-16.

Conditions:
Familial cancer of breast. Also called: BREAST CANCER, FAMILIAL; hereditary breast carcinoma; Hereditary breast cancer. Identifiers: Orphanet 227535, MedGen C0346153, MONDO:0016419, OMIM 114480. Disease mechanism: loss of function.
Hereditary cancer-predisposing syndrome. Also called: Neoplastic Syndromes, Hereditary; Tumor predisposition; Hereditary Cancer Syndrome; Hereditary neoplastic syndrome. Identifiers: Orphanet 140162, MedGen C0027672, MeSH D009386, MONDO:0015356.

Submissions (5):

Labcorp Genetics (formerly Invitae), Labcorp
Classification: Likely benign for Familial cancer of breast. Last evaluated: 2025-03-16. Review status: criteria provided, single submitter. Criteria: Invitae Variant Classification Sherloc (09022015). Collection method: clinical testing. Allele origin: germline.

Myriad Genetics, Inc.
Classification: Benign for Familial cancer of breast. Last evaluated: 2024-10-04. Review status: criteria provided, single submitter. Criteria: Myriad Autosomal Dominant, Autosomal Recessive and X-Linked Classification Criteria (2023). Collection method: clinical testing. Allele origin: unknown.
Comment: This variant is considered benign. This variant is a silent/synonymous amino acid change and it is not expected to impact splicing.

ARUP Laboratories, Molecular Genetics and Genomics, ARUP Laboratories
Classification: Likely benign. Last evaluated: 2019-05-02. Review status: criteria provided, single submitter. Criteria: ARUP Molecular Germline Variant Investigation Process. Collection method: clinical testing. Allele origin: germline.

GeneDx
Classification: Likely benign. Last evaluated: 2017-02-13. Review status: criteria provided, single submitter. Criteria: GeneDx Variant Classification (06012015). Collection method: clinical testing. Allele origin: germline. Affected: yes.
Comment: This variant is considered likely benign or benign based on one or more of the following criteria: it is a conservative change, it occurs at a poorly conserved position in the protein, it is predicted to be benign by multiple in silico algorithms, and/or has population frequency not consistent with disease.

Ambry Genetics
Classification: Likely benign for Hereditary cancer-predisposing syndrome. Last evaluated: 2015-03-30. Review status: criteria provided, single submitter. Criteria: Ambry Variant Classification Scheme 2023. Collection method: clinical testing. Allele origin: germline.

NM_007194.4(CHEK2):c.925C>T (p.Leu309=)

Gene: CHEK2 (checkpoint kinase 2; minus strand). Cytogenetic location: 22q12.1.
Variant type: single nucleotide variant.
Coding change: c.925C>T on transcript NM_007194.4 (MANE Select); coding-DNA position 925, C replaced by T.
Protein change: p.Leu309=; no amino-acid change (leucine 309 retained).
Molecular consequence: synonymous variant.
Genome position (GRCh38, 1-based): chr22:28,699,921, G>A on the plus strand (C>T on the coding strand, the complement: CHEK2 is on the minus strand). VCF-style: chr22-28699921-G-A. GRCh37 (hg19) VCF-style: chr22-29095909-G-A.
Other names: c.1054C>T, p.Leu352= (NM_001005735.3); c.262C>T, p.Leu88= (NM_001257387.3); c.724C>T, p.Leu242= (NM_001349956.3); c.925C>T, p.Leu309= (NM_145862.3).
Identifiers: ClinVar variation 231096 (VCV000231096.23), dbSNP rs786202521, ClinGen allele CA10581061.